The following is an entry in ClinVar:

ClinVar aggregate classification (germline): Likely benign (1 of 4 stars; one submission).

Conditions:
AP1B1-related disorder. Also called: AP1B1-related condition.

Submission:

PreventionGenetics, part of Exact Sciences
Classification: Likely benign for AP1B1-related condition. Last evaluated: 2026-09-09. Review status: criteria provided, single submitter. Criteria: ACMG Guidelines, 2015. Collection method: clinical testing. Allele origin: germline.
Comment: This variant is classified as likely benign based on ACMG/AMP sequence variant interpretation guidelines (Richards et al. 2015 PMID: 25741868, with internal and published modifications).

NM_001127.4(AP1B1):c.1038C>T (p.Ala346=)

Gene: AP1B1 (adaptor related protein complex 1 subunit beta 1; minus strand). Cytogenetic location: 22q12.2.
Variant type: single nucleotide variant.
Coding change: c.1038C>T on transcript NM_001127.4 (MANE Select); coding-DNA position 1038, C replaced by T.
Protein change: p.Ala346=; no amino-acid change (alanine 346 retained).
Molecular consequence: synonymous variant.
Genome position (GRCh38, 1-based): chr22:29,351,726, G>A on the plus strand (C>T on the coding strand, the complement: AP1B1 is on the minus strand). VCF-style: chr22-29351726-G-A. GRCh37 (hg19) VCF-style: chr22-29747715-G-A.
Other names: c.1038C>T, p.Ala346= (NM_001166019.2, NM_001378562.1, NM_001378563.1 and 2 more transcripts); c.867C>T, p.Ala289= (NM_001378564.1, NM_001378565.1).
Identifiers: ClinVar variation 4985313 (VCV004985313.1).